The following is an entry in ClinVar:

ClinVar aggregate classification (germline): Uncertain significance (1 of 4 stars; one submission).

Conditions:
Hereditary cancer-predisposing syndrome. Also called: Tumor predisposition; Hereditary neoplastic syndrome; Hereditary Cancer Syndrome; Neoplastic Syndromes, Hereditary. Identifiers: Orphanet 140162, MedGen C0027672, MeSH D009386, MONDO:0015356.

gnomAD v4.1: 2 of 1,614,198 alleles (0.00012%); highest among the groups gnomAD compares: South Asian, 0.0022%; no homozygotes.

Submission:

Ambry Genetics
Classification: Uncertain significance for Hereditary cancer-predisposing syndrome. Last evaluated: 2025-06-12. Review status: criteria provided, single submitter. Criteria: Ambry Variant Classification Scheme 2023. Collection method: clinical testing. Allele origin: germline.
Comment: The p.T211A variant (also known as c.631A>G), located in coding exon 4 of the PTCH1 gene, results from an A to G substitution at nucleotide position 631. The threonine at codon 211 is replaced by alanine, an amino acid with similar properties. This amino acid position is conserved. In addition, this alteration is predicted to be deleterious by in silico analysis. Based on the available evidence, the clinical significance of this variant remains unclear.

NM_000264.5(PTCH1):c.631A>G (p.Thr211Ala)

Gene: PTCH1 (patched 1; minus strand). Cytogenetic location: 9q22.32.
Variant type: single nucleotide variant.
Coding change: c.631A>G on transcript NM_000264.5 (MANE Select); coding-DNA position 631, A replaced by G.
Protein change: p.Thr211Ala; replaces threonine 211 with alanine.
Molecular consequence: missense variant. On other transcripts: non-coding transcript variant (1).
Genome position (GRCh38, 1-based): chr9:95,482,157, T>C on the plus strand (A>G on the coding strand, the complement: PTCH1 is on the minus strand). VCF-style: chr9-95482157-T-C. GRCh37 (hg19) VCF-style: chr9-98244439-T-C.
Other names: c.433A>G, p.Thr145Ala (NM_001083602.3, NM_001354919.2); c.628A>G, p.Thr210Ala (NM_001083603.3); c.178A>G, p.Thr60Ala (NM_001083604.3, NM_001083605.3, NM_001083606.3 and 1 more transcripts); c.631A>G, p.Thr211Ala (NM_001354918.2); short protein forms T60A, T210A, T145A, T211A.
Identifiers: ClinVar variation 3939911 (VCV003939911.1).
Genomic context (GRCh38, chr9:95,482,157, plus strand): 5'-TTCCTGAGAAATTTTTGCCAACAAGAAGAAAATATACCTGATCCATGTAACCTGTTTCTG[T>C]GATAAGCTCTCCTGATTTGTAACACAAATGTTCCAATTTCCACTGCCTAATAAAATGAAA-3'
Protein context (NP_000255.2, residues 201-221): HLCYKSGELI[Thr211Ala]ETGYMDQIIE